The following is an entry in ClinVar:

ClinVar aggregate classification (germline): Uncertain significance (1 of 4 stars; one submission).

Allele frequency attached by ClinVar (database versions not stated): gnomAD exomes below 0.00001; TOPMed below 0.00001.
gnomAD v4.1: 1 of 1,566,108 alleles (0.000064%); highest among the groups gnomAD compares: Non-Finnish European, 0.000088%; no homozygotes.

Submission:

Labcorp Genetics (formerly Invitae), Labcorp
Classification: Uncertain significance. Last evaluated: 2023-05-20. Review status: criteria provided, single submitter. Criteria: Invitae Variant Classification Sherloc (09022015). Collection method: clinical testing. Allele origin: germline.
Comment: Algorithms developed to predict the effect of sequence changes on RNA splicing suggest that this variant may disrupt the consensus splice site. In summary, the available evidence is currently insufficient to determine the role of this variant in disease. Therefore, it has been classified as a Variant of Uncertain Significance. This variant has not been reported in the literature in individuals affected with SPPL2A-related conditions. This variant is not present in population databases (gnomAD no frequency). This sequence change affects a donor splice site in intron 9 of the SPPL2A gene. It is expected to disrupt RNA splicing. Variants that disrupt the donor or acceptor splice site typically lead to a loss of protein function (PMID: 16199547), however the current clinical and genetic evidence is not sufficient to establish whether loss-of-function variants in SPPL2A cause disease.

Literature cited by the submitters: PubMed 16199547.

NM_032802.4(SPPL2A):c.1014+1G>A

Gene: SPPL2A (signal peptide peptidase like 2A; minus strand). Cytogenetic location: 15q21.2.
Variant type: single nucleotide variant.
Coding change: c.1014+1G>A on transcript NM_032802.4 (MANE Select); the canonical splice donor site of the intron after coding-DNA position 1014, G replaced by A.
Molecular consequence: splice donor variant.
Genome position (GRCh38, 1-based): chr15:50,732,602, C>T on the plus strand (G>A on the coding strand, the complement: SPPL2A is on the minus strand). VCF-style: chr15-50732602-C-T. GRCh37 (hg19) VCF-style: chr15-51024799-C-T.
Identifiers: ClinVar variation 2866441 (VCV002866441.3), dbSNP rs2062739691, ClinGen allele CA392411198.